The following is an entry in ClinVar:

NM_000399.5(EGR2):c.443C>A (p.Pro148His)

Gene: EGR2 (early growth response 2; minus strand). Cytogenetic location: 10q21.3.
Variant type: single nucleotide variant.
Coding change: c.443C>A on transcript NM_000399.5 (MANE Select); coding-DNA position 443, C replaced by A.
Protein change: p.Pro148His; replaces proline 148 with histidine.
Molecular consequence: missense variant.
Genome position (GRCh38, 1-based): chr10:62,814,195, G>T on the plus strand (C>A on the coding strand, the complement: EGR2 is on the minus strand). VCF-style: chr10-62814195-G-T. GRCh37 (hg19) VCF-style: chr10-64573955-G-T.
Other names: c.443C>A, p.Pro148His (NM_001136177.3, NM_001136178.2); c.293C>A, p.Pro98His (NM_001136179.3, NM_001321037.2); c.482C>A, p.Pro161His (NM_001410931.1); short protein forms P161H, P148H, P98H.
Identifiers: ClinVar variation 1997882 (VCV001997882.14), dbSNP rs768683610, ClinGen allele CA5517275.
Genomic context (GRCh38, chr10:62,814,195, plus strand): 5'-GGCGGAGAGTACAGGTGGTCCAGGTCAGGCTGGGTCTGGGACATGGTGCACACACCCAGG[G>T]GTCCTGTGGCCAGTGGGTTGGGGGAGGCAGAGGTGACGCTGGATGAGGCTGTGGTTGAAG-3'
Protein context (NP_000390.2, residues 138-158): SASPNPLATG[Pro148His]LGVCTMSQTQ

ClinVar aggregate classification (germline): Uncertain significance. Review status: criteria provided, multiple submitters, no conflicts (2 of 4 stars). 2 submissions from 2 submitters: Uncertain significance (2). Last evaluated 2025-05-01.

Conditions:
Charcot-Marie-Tooth disease, type I (CMT1). Also called: Charcot-Marie-Tooth, Type 1; Charcot-Marie-Tooth disease type 1. Identifiers: Orphanet 65753, MedGen C0751036, MONDO:0019011.

Allele frequency attached by ClinVar (database versions not stated): ExAC 0.00001.
gnomAD v4.1: 2 of 1,614,172 alleles (0.00012%); highest among the groups gnomAD compares: South Asian, 0.0011%; no homozygotes.

Submissions (2):

CeGaT Center for Human Genetics Tuebingen
Classification: Uncertain significance. Last evaluated: 2025-05-01. Review status: criteria provided, single submitter. Criteria: CeGaT Center For Human Genetics Tuebingen Variant Classification Criteria Version 2. Collection method: clinical testing. Allele origin: germline. Affected: yes. Observed: 1 variant allele.
Comment: EGR2: PM2

Labcorp Genetics (formerly Invitae), Labcorp
Classification: Uncertain significance for Charcot-Marie-Tooth disease, type I. Last evaluated: 2022-05-22. Review status: criteria provided, single submitter. Criteria: Invitae Variant Classification Sherloc (09022015). Collection method: clinical testing. Allele origin: germline.
Comment: In summary, the available evidence is currently insufficient to determine the role of this variant in disease. Therefore, it has been classified as a Variant of Uncertain Significance. Algorithms developed to predict the effect of missense changes on protein structure and function are either unavailable or do not agree on the potential impact of this missense change (SIFT: "Not Available"; PolyPhen-2: "Benign"; Align-GVGD: "Not Available"). This variant has not been reported in the literature in individuals affected with EGR2-related conditions. This variant is present in population databases (rs768683610, gnomAD 0.003%). This sequence change replaces proline, which is neutral and non-polar, with histidine, which is basic and polar, at codon 148 of the EGR2 protein (p.Pro148His).